The following is an entry in ClinVar:

ClinVar aggregate classification (germline): Uncertain significance (1 of 4 stars; one submission).

Conditions:
Generalized epilepsy with febrile seizures plus, type 7 (GEFSP7). Also called: GEFS+, TYPE 7. Identifiers: Orphanet 36387, MedGen C2751778, MONDO:0013470, OMIM 613863.
Neuropathy, hereditary sensory and autonomic, type 2A (HSAN2A). Also called: HSAN IIA; ACROOSTEOLYSIS, GIACCAI TYPE; ACROOSTEOLYSIS, NEUROGENIC; WNK1-Related HSAN2 (HSAN2A); MORVAN DISEASE; NEUROPATHY, CONGENITAL SENSORY. Identifiers: Orphanet 970, MedGen C2752089, MONDO:0024309, OMIM 201300.

Allele frequency attached by ClinVar (database versions not stated): gnomAD exomes below 0.00001; ExAC 0.00001; gnomAD 0.00001.
gnomAD v4.1: 4 of 1,610,526 alleles (0.00025%); highest among the groups gnomAD compares: African/African-American, 0.0053%; no homozygotes.

Submission:

Labcorp Genetics (formerly Invitae), Labcorp
Classification: Uncertain significance for Neuropathy, hereditary sensory and autonomic, type 2A; Generalized epilepsy with febrile seizures plus, type 7. Last evaluated: 2025-06-19. Review status: criteria provided, single submitter. Criteria: Invitae Variant Classification Sherloc (09022015). Collection method: clinical testing. Allele origin: germline.
Comment: This sequence change replaces threonine, which is neutral and polar, with proline, which is neutral and non-polar, at codon 319 of the SCN9A protein (p.Thr319Pro). This variant is present in population databases (rs747241543, gnomAD 0.008%). This variant has not been reported in the literature in individuals affected with SCN9A-related conditions. ClinVar contains an entry for this variant (Variation ID: 2154246). Invitae Evidence Modeling of protein sequence and biophysical properties (such as structural, functional, and spatial information, amino acid conservation, physicochemical variation, residue mobility, and thermodynamic stability) indicates that this missense variant is not expected to disrupt SCN9A protein function with a negative predictive value of 80%. In summary, the available evidence is currently insufficient to determine the role of this variant in disease. Therefore, it has been classified as a Variant of Uncertain Significance.

NM_001365536.1(SCN9A):c.955A>C (p.Thr319Pro)

Genes: SCN9A (sodium voltage-gated channel alpha subunit 9; minus strand), SCN1A-AS1 (SCN1A and SCN9A antisense RNA 1; plus strand). Cytogenetic location: 2q24.3.
Variant type: single nucleotide variant.
Coding change: c.955A>C on transcript NM_001365536.1 (MANE Select); coding-DNA position 955, A replaced by C.
Protein change: p.Thr319Pro; replaces threonine 319 with proline.
Molecular consequence: missense variant. On other transcripts: non-coding transcript variant (1).
Genome position (GRCh38, 1-based): chr2:166,294,609, T>G on the plus strand (A>C on the coding strand, the complement: SCN9A is on the minus strand). VCF-style: chr2-166294609-T-G. GRCh37 (hg19) VCF-style: chr2-167151119-T-G.
Other names: c.955A>C, p.Thr319Pro (NM_002977.4); short protein forms T319P.
Identifiers: ClinVar variation 2154246 (VCV002154246.4), dbSNP rs747241543, ClinGen allele CA1944628.
Genomic context (GRCh38, chr2:166,294,609, plus strand): 5'-TTTCCTTCTCTTTCAGCCTTTAGACTAAAAAGAAAACAAATATTACATACCCTGAATCTG[T>G]GCTGAAACCACAAAGGAGAGCATCTTTGGATCCTTCCAAGTAATAAAAATATTCTGTTGA-3'
Protein context (NP_001352465.1, residues 309-329): SKDALLCGFS[Thr319Pro]DSGQCPEGYT